The following is an entry in ClinVar:

NC_000006.11:g.(65532716_65596589)_(65707597_65767506)del

Gene: EYS (EGF-like photoreceptor maintenance factor; minus strand). Cytogenetic location: 6q12.
Variant type: Deletion.
Identifiers: ClinVar variation 3366482 (VCV003366482.1).

ClinVar aggregate classification (germline): Pathogenic (1 of 4 stars; one submission).

Conditions:
Retinitis pigmentosa (RP). Identifiers: Orphanet 791, MedGen C0035334, MeSH D012174, MONDO:0019200, OMIM 268000. Inheritance: Autosomal dominant, autosomal recessive and X linked inheritance.

Submission:

Women's Health and Genetics/Laboratory Corporation of America, LabCorp
Classification: Pathogenic for Retinitis pigmentosa. Last evaluated: 2024-08-06. Review status: criteria provided, single submitter. Criteria: LabCorp Variant Classification Summary - May 2015. Collection method: clinical testing. Allele origin: germline.
Comment: Variant summary: The variant involves the deletion of exons 14-19 in the EYS gene. A presumed nomenclature of c.(2137+1_2138-1)_(2992+1_2993-1)del has been designated for the purposes of this classification. This Copy Number Variant (CNV) is predicted to result in an in-frame deletion within this gene. The variant was absent in 21694 control chromosomes (gnomAD Structural Variants database). To our knowledge, no occurrence of deletion of exon 14-19 in individuals affected with Retinitis Pigmentosa and no experimental evidence demonstrating its impact on protein function have been reported. However, another variant (c.2528G>A; p.Gly843Glu) within the deleted region has been classified as pathogenic by our laboratory, indicating the functional significance of the deleted protein region. ClinVar contains an entry for this variant (Variation ID: 3246106). Based on the evidence outlined above, the variant was classified as pathogenic.